The following is an entry in ClinVar:

NM_000350.3(ABCA4):c.560G>A (p.Arg187His)

Gene: ABCA4 (ATP binding cassette subfamily A member 4; minus strand). Cytogenetic location: 1p22.1.
Variant type: single nucleotide variant.
Coding change: c.560G>A on transcript NM_000350.3 (MANE Select); coding-DNA position 560, G replaced by A.
Protein change: p.Arg187His; replaces arginine 187 with histidine.
Molecular consequence: missense variant.
Genome position (GRCh38, 1-based): chr1:94,103,025, C>T on the plus strand (G>A on the coding strand, the complement: ABCA4 is on the minus strand). VCF-style: chr1-94103025-C-T. GRCh37 (hg19) VCF-style: chr1-94568581-C-T.
Other names: c.560G>A, p.Arg187His (NM_001425324.1); short protein forms R187H.
Identifiers: ClinVar variation 871576 (VCV000871576.48), dbSNP rs202198282, ClinGen allele CA958815.

ClinVar aggregate classification (germline): Conflicting classifications of pathogenicity. Review status: criteria provided, conflicting classifications (1 of 4 stars). 4 submissions from 4 submitters: Pathogenic (3); Uncertain significance (1). Last evaluated 2025-11-26.

Conditions:
Cone-rod dystrophy 3 (CORD3). Identifiers: Orphanet 1872, MedGen C1858806, MONDO:0011395, OMIM 604116.
Severe early-childhood-onset retinal dystrophy (STGD1). Also called: Stargardt macular dystrophy; Juvenile onset macular degeneration; Stargardt disease 1; STGD; MACULAR DYSTROPHY WITH FLECKS, TYPE 1. Identifiers: Orphanet 364055, Orphanet 827, MedGen C1855465, MeSH D000080362, MONDO:0009549, OMIM 248200.
Retinitis pigmentosa 19 (RP19). Also called: ABCA4-Related Retinitis Pigmentosa. Identifiers: Orphanet 791, MedGen C1866422, MONDO:0011137, OMIM 601718.

Allele frequency attached by ClinVar (database versions not stated): gnomAD 0.00001; gnomAD exomes 0.00002 and 0.00004; TOPMed 0.00003; ExAC 0.00005; ESP Exome Variant Server 0.00015.
gnomAD v4.1: 27 of 1,614,090 alleles (0.0017%); highest among the groups gnomAD compares: South Asian, 0.0066%; no homozygotes.

Submissions (4):

Labcorp Genetics (formerly Invitae), Labcorp
Classification: Pathogenic. Last evaluated: 2025-11-26. Review status: criteria provided, single submitter. Criteria: Invitae Variant Classification Sherloc (09022015). Collection method: clinical testing. Allele origin: germline.
Comment: This sequence change replaces arginine, which is basic and polar, with histidine, which is basic and polar, at codon 187 of the ABCA4 protein (p.Arg187His). This variant is present in population databases (rs202198282, gnomAD 0.01%). This missense change has been observed in individual(s) with Stargardt disease or cone-rod dystrophy (PMID: 19959634, 29975949, 32619608). ClinVar contains an entry for this variant (Variation ID: 871576). Invitae Evidence Modeling of protein sequence and biophysical properties (such as structural, functional, and spatial information, amino acid conservation, physicochemical variation, residue mobility, and thermodynamic stability) indicates that this missense variant is expected to disrupt ABCA4 protein function with a positive predictive value of 95%. This variant disrupts the p.Arg187 amino acid residue in ABCA4. Other variant(s) that disrupt this residue have been determined to be pathogenic (PMID: 25082885). This suggests that this residue is clinically significant, and that variants that disrupt this residue are likely to be disease-causing. For these reasons, this variant has been classified as Pathogenic.

First Genomix Gene Laboratory, Genetic Diagnostics Department
Classification: Pathogenic for Severe early-childhood-onset retinal dystrophy; Retinitis pigmentosa 19; Cone-rod dystrophy 3. Last evaluated: 2025-05-07. Review status: criteria provided, single submitter. Criteria: ACMG Guidelines, 2015. Collection method: clinical testing. Allele origin: germline. Inheritance: Autosomal recessive inheritance. Affected: no. Observed: 1 variant allele.

Blueprint Genetics
Classification: Uncertain significance. Last evaluated: 2023-09-18. Review status: criteria provided, single submitter. Criteria: ACMG Guidelines, 2015. Collection method: clinical testing. Allele origin: germline.

CeGaT Center for Human Genetics Tuebingen
Classification: Pathogenic. Last evaluated: 2017-09-01. Review status: criteria provided, single submitter. Criteria: CeGaT Center For Human Genetics Tuebingen Variant Classification Criteria Version 2. Collection method: clinical testing. Allele origin: germline. Affected: yes. Observed: 1 variant allele.

Literature cited by the submitters: PubMed 19959634 (cited by Labcorp Genetics (formerly Invitae), Labcorp); PubMed 29975949 (cited by Labcorp Genetics (formerly Invitae), Labcorp); PubMed 32619608 (cited by Labcorp Genetics (formerly Invitae), Labcorp); PubMed 25082885 (cited by Labcorp Genetics (formerly Invitae), Labcorp).